The following is an entry in ClinVar:

ClinVar aggregate classification (germline): Pathogenic (1 of 4 stars; one submission).

Conditions:
Nephronophthisis. Also called: Juvenile Nephronophthisis. Identifiers: Orphanet 655, MedGen C0687120, MONDO:0019005, HP:0000090.
Meckel-Gruber syndrome. Also called: DYSENCEPHALIA SPLANCHNOCYSTICA; GRUBER SYNDROME; Dysencephalia splachnocystica. Identifiers: Orphanet 564, MedGen C0265215, MONDO:0018921.
Joubert syndrome. Also called: CEREBELLOPARENCHYMAL DISORDER IV; JOUBERT-BOLTSHAUSER SYNDROME; Familial aplasia of the vermis. Identifiers: Orphanet 475, MedGen C5979921, MONDO:0018772.

Submission:

Labcorp Genetics (formerly Invitae), Labcorp
Classification: Pathogenic for Joubert syndrome; Meckel-Gruber syndrome; Nephronophthisis. Last evaluated: 2023-11-29. Review status: criteria provided, single submitter. Criteria: Invitae Variant Classification Sherloc (09022015). Collection method: clinical testing. Allele origin: germline.
Comment: This sequence change creates a premature translational stop signal (p.Glu1569*) in the CEP290 gene. It is expected to result in an absent or disrupted protein product. Loss-of-function variants in CEP290 are known to be pathogenic (PMID: 16909394, 17345604, 20690115). This variant is not present in population databases (gnomAD no frequency). This variant has not been reported in the literature in individuals affected with CEP290-related conditions. ClinVar contains an entry for this variant (Variation ID: 1453700). Algorithms developed to predict the effect of sequence changes on RNA splicing suggest that this variant may disrupt the consensus splice site. For these reasons, this variant has been classified as Pathogenic.

Literature cited by the submitters: PubMed 16909394; PubMed 17345604; PubMed 20690115.

NM_025114.4(CEP290):c.4705G>T (p.Glu1569Ter)

Gene: CEP290 (centrosomal protein 290; minus strand). Cytogenetic location: 12q21.32.
Variant type: single nucleotide variant.
Coding change: c.4705G>T on transcript NM_025114.4 (MANE Select); coding-DNA position 4705, G replaced by T.
Protein change: p.Glu1569Ter; replaces glutamic acid 1569 with a stop codon.
Molecular consequence: nonsense.
Genome position (GRCh38, 1-based): chr12:88,083,954, C>A on the plus strand (G>T on the coding strand, the complement: CEP290 is on the minus strand). VCF-style: chr12-88083954-C-A. GRCh37 (hg19) VCF-style: chr12-88477731-C-A.
Other names: short protein forms E1569*.
Identifiers: ClinVar variation 1453700 (VCV001453700.6), dbSNP rs2137170285, ClinGen allele CA385994177.